The following is an entry in ClinVar:

ClinVar aggregate classification (germline): Uncertain significance. Review status: criteria provided, multiple submitters, no conflicts (2 of 4 stars). 2 submissions from 2 submitters: Uncertain significance (2). Last evaluated 2025-04-08.

Conditions:
Hereditary cancer-predisposing syndrome. Also called: Neoplastic Syndromes, Hereditary; Tumor predisposition; Hereditary Cancer Syndrome; Hereditary neoplastic syndrome. Identifiers: Orphanet 140162, MedGen C0027672, MeSH D009386, MONDO:0015356.
Oligodontia-cancer predisposition syndrome. Also called: TOOTH AGENESIS-COLORECTAL CANCER SYNDROME. Identifiers: Orphanet 300576, MedGen C1837750, MONDO:0012075, OMIM 608615. Disease mechanism: loss of function.

Allele frequency attached by ClinVar (database versions not stated): gnomAD exomes below 0.00001; TOPMed below 0.00001; gnomAD 0.00001.
gnomAD v4.1: 4 of 1,614,114 alleles (0.00025%); highest among the groups gnomAD compares: Non-Finnish European, 0.00025%; no homozygotes.

Submissions (2):

Labcorp Genetics (formerly Invitae), Labcorp
Classification: Uncertain significance for Oligodontia-cancer predisposition syndrome. Last evaluated: 2025-04-08. Review status: criteria provided, single submitter. Criteria: Invitae Variant Classification Sherloc (09022015). Collection method: clinical testing. Allele origin: germline.
Comment: This sequence change replaces leucine, which is neutral and non-polar, with proline, which is neutral and non-polar, at codon 395 of the AXIN2 protein (p.Leu395Pro). This variant is not present in population databases (gnomAD no frequency). This variant has not been reported in the literature in individuals affected with AXIN2-related conditions. ClinVar contains an entry for this variant (Variation ID: 464521). Invitae Evidence Modeling of protein sequence and biophysical properties (such as structural, functional, and spatial information, amino acid conservation, physicochemical variation, residue mobility, and thermodynamic stability) indicates that this missense variant is expected to disrupt AXIN2 protein function with a positive predictive value of 80%. In summary, the available evidence is currently insufficient to determine the role of this variant in disease. Therefore, it has been classified as a Variant of Uncertain Significance.

Ambry Genetics
Classification: Uncertain significance for Hereditary cancer-predisposing syndrome. Last evaluated: 2024-05-01. Review status: criteria provided, single submitter. Criteria: Ambry Variant Classification Scheme 2023. Collection method: clinical testing. Allele origin: germline.
Comment: The p.L395P variant (also known as c.1184T>C), located in coding exon 4 of the AXIN2 gene, results from a T to C substitution at nucleotide position 1184. The leucine at codon 395 is replaced by proline, an amino acid with similar properties. This amino acid position is conserved. In addition, this alteration is predicted to be deleterious by in silico analysis. Since supporting evidence is limited at this time, the clinical significance of this alteration remains unclear.

NM_004655.4(AXIN2):c.1184T>C (p.Leu395Pro)

Gene: AXIN2 (axin 2; minus strand). Cytogenetic location: 17q24.1.
Variant type: single nucleotide variant.
Coding change: c.1184T>C on transcript NM_004655.4 (MANE Select); coding-DNA position 1184, T replaced by C.
Protein change: p.Leu395Pro; replaces leucine 395 with proline.
Molecular consequence: missense variant.
Genome position (GRCh38, 1-based): chr17:65,538,219, A>G on the plus strand (T>C on the coding strand, the complement: AXIN2 is on the minus strand). VCF-style: chr17-65538219-A-G. GRCh37 (hg19) VCF-style: chr17-63534337-A-G.
Other names: c.1184T>C, p.Leu395Pro (NM_001363813.1); c.1184T>C (LRG_296t1); short protein forms L395P.
Identifiers: ClinVar variation 464521 (VCV000464521.12), dbSNP rs1555578450, ClinGen allele CA400678171.